The following is an entry in ClinVar:

NM_145059.3(FCSK):c.3013G>C (p.Val1005Leu)

Gene: FCSK (fucose kinase; plus strand). Cytogenetic location: 16q22.1.
Variant type: single nucleotide variant.
Coding change: c.3013G>C on transcript NM_145059.3 (MANE Select); coding-DNA position 3013, G replaced by C.
Protein change: p.Val1005Leu; replaces valine 1005 with leucine.
Molecular consequence: missense variant.
Genome position (GRCh38, 1-based): chr16:70,479,263, G>C. VCF-style: chr16-70479263-G-C. GRCh37 (hg19) VCF-style: chr16-70513166-G-C.
Other names: short protein forms V1005L.
Identifiers: ClinVar variation 1983807 (VCV001983807.4), dbSNP rs371645894, ClinGen allele CA8143842.
Genomic context (GRCh38, chr16:70,479,263, plus strand): 5'-TGCCTGACCTCGTACTGGGAGCAGAAGAAGCTCATGGCTCCAGGCTGTGAGCCCCTGACT[G>C]TGCGGCGTATGATGGATGTCCTGGCCCCCCACGTGCATGGCCAGAGCCTGGCTGGGGCAG-3'
Protein context (NP_659496.2, residues 995-1015): LMAPGCEPLT[Val1005Leu]RRMMDVLAPH

ClinVar aggregate classification (germline): Uncertain significance (1 of 4 stars; one submission).

Allele frequency attached by ClinVar (database versions not stated): ExAC 0.00003; ESP Exome Variant Server 0.00008; TOPMed 0.00009; gnomAD 0.00013.

Submission:

Labcorp Genetics (formerly Invitae), Labcorp
Classification: Uncertain significance. Last evaluated: 2024-10-24. Review status: criteria provided, single submitter. Criteria: Invitae Variant Classification Sherloc (09022015). Collection method: clinical testing. Allele origin: germline.
Comment: This sequence change replaces valine, which is neutral and non-polar, with leucine, which is neutral and non-polar, at codon 1005 of the FUK protein (p.Val1005Leu). This variant is present in population databases (rs371645894, gnomAD 0.05%). This missense change has been observed in individual(s) with infantile spasms (PMID: 36426412). ClinVar contains an entry for this variant (Variation ID: 1983807). An algorithm developed to predict the effect of missense changes on protein structure and function (PolyPhen-2) suggests that this variant is likely to be disruptive. In summary, the available evidence is currently insufficient to determine the role of this variant in disease. Therefore, it has been classified as a Variant of Uncertain Significance.

Literature cited by the submitters: PubMed 36426412.